The following is an entry in ClinVar:

NM_001006935.3(TCEAL4):c.625A>G (p.Ile209Val)

Gene: TCEAL4 (transcription elongation factor A like 4; plus strand). Cytogenetic location: Xq22.2.
Variant type: single nucleotide variant.
Coding change: c.625A>G on transcript NM_001006935.3 (MANE Select); coding-DNA position 625, A replaced by G.
Protein change: p.Ile209Val; replaces isoleucine 209 with valine.
Molecular consequence: missense variant.
Genome position (GRCh38, 1-based): chrX:103,587,300, A>G. VCF-style: chrX-103587300-A-G. GRCh37 (hg19) VCF-style: chrX-102842228-A-G.
Other names: c.625A>G, p.Ile209Val (NM_001006937.3, NM_001305840.2, NM_001305841.2 and 2 more transcripts); c.1054A>G, p.Ile352Val (NM_001300901.2); c.625A>G (NM_024863.4); short protein forms I209V, I352V.
Identifiers: ClinVar variation 2661098 (VCV002661098.25), dbSNP rs202054247, ClinGen allele CA10478268.
Genomic context (GRCh38, chrX:103,587,300, plus strand): 5'-CCCTTCTACCCTAGAGGTCCAAGGGAATTCAGGGGTGGCTGCAGGGCCCCACGAAGGGAC[A>G]TTGAAGACATTCCTTATGTGTAGTGTCCCTGGCAGGCATTTACCAGGCCATGTGCTTTAA-3'
Protein context (NP_001006936.1, residues 199-215): RGGCRAPRRD[Ile209Val]EDIPYV

ClinVar aggregate classification (germline): Conflicting classifications of pathogenicity. Review status: criteria provided, conflicting classifications (1 of 4 stars). 2 submissions from 2 submitters: Uncertain significance (1); Likely benign (1). Last evaluated 2024-04-19.

Allele frequency attached by ClinVar (database versions not stated): gnomAD exomes 0.00006; gnomAD 0.00007; TOPMed 0.00007; ExAC 0.00009; 1000 Genomes Project 0.00026; 1000 Genomes Project 30x 0.00042.

Submissions (2):

Ambry Genetics
Classification: Uncertain significance. Last evaluated: 2024-04-19. Review status: criteria provided, single submitter. Criteria: Ambry Variant Classification Scheme 2023. Collection method: clinical testing. Allele origin: germline.

CeGaT Center for Human Genetics Tuebingen
Classification: Likely benign. Last evaluated: 2022-12-01. Review status: criteria provided, single submitter. Criteria: CeGaT Center For Human Genetics Tuebingen Variant Classification Criteria Version 2. Collection method: clinical testing. Allele origin: germline. Affected: yes. Observed: 1 variant allele.
Comment: TCEAL4: BP4, BS2